The following is an entry in ClinVar:

ClinVar aggregate classification (germline): Uncertain significance. Review status: criteria provided, multiple submitters, no conflicts (2 of 4 stars). 2 submissions from 2 submitters: Uncertain significance (2). Last evaluated 2024-04-17.

Conditions:
Glycogen storage disease due to lactate dehydrogenase M-subunit deficiency (GSD11). Also called: Glycogen storage disease XI; GSD XI; LACTATE DEHYDROGENASE A DEFICIENCY. Identifiers: Orphanet 284426, MedGen C2931743, MONDO:0013047, OMIM 612933.

Allele frequency attached by ClinVar (database versions not stated): gnomAD exomes 0.00002; TOPMed 0.00015; 1000 Genomes Project 0.00020; ExAC 0.00003; gnomAD 0.00011; 1000 Genomes Project 30x 0.00016.
gnomAD v4.1: 29 of 1,612,842 alleles (0.0018%); highest among the groups gnomAD compares: African/African-American, 0.029%; no homozygotes.

Submissions (2):

Fulgent Genetics
Classification: Uncertain significance for Glycogen storage disease due to lactate dehydrogenase M-subunit deficiency. Last evaluated: 2024-04-17. Review status: criteria provided, single submitter. Criteria: ACMG Guidelines, 2015. Collection method: clinical testing. Allele origin: germline.

Labcorp Genetics (formerly Invitae), Labcorp
Classification: Uncertain significance for Glycogen storage disease due to lactate dehydrogenase M-subunit deficiency. Last evaluated: 2022-08-07. Review status: criteria provided, single submitter. Criteria: Invitae Variant Classification Sherloc (09022015). Collection method: clinical testing. Allele origin: germline.
Comment: This sequence change replaces lysine, which is basic and polar, with glutamic acid, which is acidic and polar, at codon 149 of the LDHA protein (p.Lys149Glu). This variant is present in population databases (rs145506651, gnomAD 0.02%). This variant has not been reported in the literature in individuals affected with LDHA-related conditions. Algorithms developed to predict the effect of missense changes on protein structure and function are either unavailable or do not agree on the potential impact of this missense change (SIFT: "Tolerated"; PolyPhen-2: "Probably Damaging"; Align-GVGD: "Class C0"). In summary, the available evidence is currently insufficient to determine the role of this variant in disease. Therefore, it has been classified as a Variant of Uncertain Significance.

NM_005566.4(LDHA):c.445A>G (p.Lys149Glu)

Gene: LDHA (lactate dehydrogenase A; plus strand). Cytogenetic location: 11p15.1.
Variant type: single nucleotide variant.
Coding change: c.445A>G on transcript NM_005566.4 (MANE Select); coding-DNA position 445, A replaced by G.
Protein change: p.Lys149Glu; replaces lysine 149 with glutamic acid.
Molecular consequence: missense variant. On other transcripts: non-coding transcript variant (1).
Genome position (GRCh38, 1-based): chr11:18,402,866, A>G. VCF-style: chr11-18402866-A-G. GRCh37 (hg19) VCF-style: chr11-18424413-A-G.
Other names: c.271A>G, p.Lys91Glu (NM_001135239.2); c.532A>G, p.Lys178Glu (NM_001165414.2); c.445A>G, p.Lys149Glu (NM_001165415.2, NM_001165416.2); short protein forms K149E, K178E, K91E.
Identifiers: ClinVar variation 2147479 (VCV002147479.2), dbSNP rs145506651, ClinGen allele CA5911304.